The following is an entry in ClinVar:

ClinVar aggregate classification (germline): Uncertain significance (1 of 4 stars; one submission).

Conditions:
Baller-Gerold syndrome (BGS). Also called: CRANIOSYNOSTOSIS WITH RADIAL DEFECTS. Identifiers: Orphanet 1225, MedGen C0265308, MONDO:0009039, OMIM 218600.

Submission:

Labcorp Genetics (formerly Invitae), Labcorp
Classification: Uncertain significance for Baller-Gerold syndrome. Last evaluated: 2023-03-22. Review status: criteria provided, single submitter. Criteria: Invitae Variant Classification Sherloc (09022015). Collection method: clinical testing. Allele origin: germline.
Comment: In summary, the available evidence is currently insufficient to determine the role of this variant in disease. Therefore, it has been classified as a Variant of Uncertain Significance. Advanced modeling of protein sequence and biophysical properties (such as structural, functional, and spatial information, amino acid conservation, physicochemical variation, residue mobility, and thermodynamic stability) performed at Invitae indicates that this missense variant is not expected to disrupt RECQL4 protein function. This variant has not been reported in the literature in individuals affected with RECQL4-related conditions. This variant is present in population databases (no rsID available, gnomAD 0.003%). This sequence change replaces proline, which is neutral and non-polar, with leucine, which is neutral and non-polar, at codon 1125 of the RECQL4 protein (p.Pro1125Leu).

NM_004260.4(RECQL4):c.3374C>T (p.Pro1125Leu)

Gene: RECQL4 (RecQ like helicase 4; minus strand). Cytogenetic location: 8q24.3.
Variant type: single nucleotide variant.
Coding change: c.3374C>T on transcript NM_004260.4 (MANE Select); coding-DNA position 3374, C replaced by T.
Protein change: p.Pro1125Leu; replaces proline 1125 with leucine.
Molecular consequence: missense variant. On other transcripts: non-coding transcript variant (3).
Genome position (GRCh38, 1-based): chr8:144,511,930, G>A on the plus strand (C>T on the coding strand, the complement: RECQL4 is on the minus strand). VCF-style: chr8-144511930-G-A. GRCh37 (hg19) VCF-style: chr8-145737313-G-A.
Other names: c.3080C>T, p.Pro1027Leu (NM_001413017.1); c.3176C>T, p.Pro1059Leu (NM_001413018.1); c.3449C>T, p.Pro1150Leu (NM_001413019.1); c.3278C>T, p.Pro1093Leu (NM_001413020.1); c.2303C>T, p.Pro768Leu (NM_001413021.1, NM_001413022.1, NM_001413024.1 and 4 more transcripts); c.2378C>T, p.Pro793Leu (NM_001413023.1); c.3245C>T, p.Pro1082Leu (NM_001413025.1); c.2237C>T, p.Pro746Leu (NM_001413027.1, NM_001413030.1, NM_001413032.1); and 9 more; short protein forms P1150L, P636L, P768L, P1082L, P1027L, P1059L, P1081L, P1125L.
Identifiers: ClinVar variation 2915123 (VCV002915123.3), dbSNP rs1333082439, ClinGen allele CA372668088.